The following is an entry in ClinVar:

NM_016026.4(RDH11):c.32T>C (p.Leu11Pro)

Genes: GPHN (gephyrin; plus strand), RDH11 (retinol dehydrogenase 11; minus strand). Cytogenetic location: 14q24.1.
Variant type: single nucleotide variant.
Coding change: c.32T>C on transcript NM_016026.4 (MANE Select); coding-DNA position 32, T replaced by C.
Protein change: p.Leu11Pro; replaces leucine 11 with proline.
Molecular consequence: missense variant.
Genome position (GRCh38, 1-based): chr14:67,695,672, A>G on the plus strand (T>C on the coding strand, the complement: RDH11 is on the minus strand). VCF-style: chr14-67695672-A-G. GRCh37 (hg19) VCF-style: chr14-68162389-A-G.
Other names: c.32T>C, p.Leu11Pro (NM_001252650.2); short protein forms L11P.
Identifiers: ClinVar variation 957440 (VCV000957440.9), dbSNP rs759281586, ClinGen allele CA7238525.

ClinVar aggregate classification (germline): Uncertain significance. Review status: criteria provided, multiple submitters, no conflicts (2 of 4 stars). 2 submissions from 2 submitters: Uncertain significance (2). Last evaluated 2025-08-13.

Allele frequency attached by ClinVar (database versions not stated): gnomAD exomes 0.00002 and 0.00003; TOPMed 0.00005; gnomAD 0.00001 and 0.00002; ExAC 0.00001.
gnomAD v4.1: 38 of 1,614,114 alleles (0.0024%); highest among the groups gnomAD compares: Non-Finnish European, 0.0031%; no homozygotes.

Submissions (2):

Ambry Genetics
Classification: Uncertain significance. Last evaluated: 2025-08-13. Review status: criteria provided, single submitter. Criteria: Ambry Variant Classification Scheme 2023. Collection method: clinical testing. Allele origin: germline.

Labcorp Genetics (formerly Invitae), Labcorp
Classification: Uncertain significance. Last evaluated: 2025-04-16. Review status: criteria provided, single submitter. Criteria: Invitae Variant Classification Sherloc (09022015). Collection method: clinical testing. Allele origin: germline.
Comment: This sequence change replaces leucine, which is neutral and non-polar, with proline, which is neutral and non-polar, at codon 11 of the RDH11 protein (p.Leu11Pro). This variant is present in population databases (rs759281586, gnomAD 0.007%). This variant has not been reported in the literature in individuals affected with RDH11-related conditions. ClinVar contains an entry for this variant (Variation ID: 957440). An algorithm developed to predict the effect of missense changes on protein structure and function (PolyPhen-2) suggests that this variant is likely to be disruptive. In summary, the available evidence is currently insufficient to determine the role of this variant in disease. Therefore, it has been classified as a Variant of Uncertain Significance.